The following is an entry in ClinVar:

ClinVar aggregate classification (germline): Uncertain significance (1 of 4 stars; one submission).

Allele frequency attached by ClinVar (database versions not stated): gnomAD exomes below 0.00001; TOPMed below 0.00001; ExAC 0.00001.

Submission:

Labcorp Genetics (formerly Invitae), Labcorp
Classification: Uncertain significance. Last evaluated: 2022-05-30. Review status: criteria provided, single submitter. Criteria: Invitae Variant Classification Sherloc (09022015). Collection method: clinical testing. Allele origin: germline.
Comment: In summary, the available evidence is currently insufficient to determine the role of this variant in disease. Therefore, it has been classified as a Variant of Uncertain Significance. Advanced modeling of protein sequence and biophysical properties (such as structural, functional, and spatial information, amino acid conservation, physicochemical variation, residue mobility, and thermodynamic stability) performed at Invitae indicates that this missense variant is not expected to disrupt ACAD9 protein function. This variant has not been reported in the literature in individuals affected with ACAD9-related conditions. This variant is present in population databases (rs750603183, gnomAD 0.0009%). This sequence change replaces serine, which is neutral and polar, with glycine, which is neutral and non-polar, at codon 302 of the ACAD9 protein (p.Ser302Gly).

NM_014049.5(ACAD9):c.904A>G (p.Ser302Gly)

Genes: ACAD9 (acyl-CoA dehydrogenase family member 9; plus strand), LOC126806807 (BRD4-independent group 4 enhancer GRCh37_chr3:128620937-128622136; plus strand). Cytogenetic location: 3q21.3.
Variant type: single nucleotide variant.
Coding change: c.904A>G on transcript NM_014049.5 (MANE Select); coding-DNA position 904, A replaced by G.
Protein change: p.Ser302Gly; replaces serine 302 with glycine.
Molecular consequence: missense variant. On other transcripts: non-coding transcript variant (1).
Genome position (GRCh38, 1-based): chr3:128,902,574, A>G. VCF-style: chr3-128902574-A-G. GRCh37 (hg19) VCF-style: chr3-128621417-A-G.
Other names: c.535A>G, p.Ser179Gly (NM_001410805.1); short protein forms S179G, S302G.
Identifiers: ClinVar variation 1920095 (VCV001920095.5), dbSNP rs750603183, ClinGen allele CA2601340.